The following is an entry in ClinVar:

NM_001206927.2(DNAH8):c.8123C>A (p.Pro2708Gln)

Gene: DNAH8 (dynein axonemal heavy chain 8; plus strand). Cytogenetic location: 6p21.2.
Variant type: single nucleotide variant.
Coding change: c.8123C>A on transcript NM_001206927.2 (MANE Select); coding-DNA position 8123, C replaced by A.
Protein change: p.Pro2708Gln; replaces proline 2708 with glutamine.
Molecular consequence: missense variant.
Genome position (GRCh38, 1-based): chr6:38,883,443, C>A. VCF-style: chr6-38883443-C-A. GRCh37 (hg19) VCF-style: chr6-38851219-C-A.
Other names: c.7472C>A, p.Pro2491Gln (NM_001371.4); short protein forms P2491Q, P2708Q.
Identifiers: ClinVar variation 958574 (VCV000958574.9), dbSNP rs757381549, ClinGen allele CA3790092.

ClinVar aggregate classification (germline): Uncertain significance. Review status: criteria provided, multiple submitters, no conflicts (2 of 4 stars). 2 submissions from 2 submitters: Uncertain significance (2). Last evaluated 2023-01-11.

Conditions:
Primary ciliary dyskinesia. Also called: Ciliary dyskinesia. Identifiers: Orphanet 244, MedGen C0008780, MONDO:0016575, HP:0012265.

Allele frequency attached by ClinVar (database versions not stated): gnomAD exomes below 0.00001 and 0.00001; ExAC 0.00001; gnomAD 0.00001; TOPMed 0.00001.
gnomAD v4.1: 3 of 1,607,574 alleles (0.00019%); highest among the groups gnomAD compares: Admixed American, 0.0017%; no homozygotes.

Submissions (2):

Ambry Genetics
Classification: Uncertain significance. Last evaluated: 2023-01-11. Review status: criteria provided, single submitter. Criteria: Ambry Variant Classification Scheme 2023. Collection method: clinical testing. Allele origin: germline.

Labcorp Genetics (formerly Invitae), Labcorp
Classification: Uncertain significance for Primary ciliary dyskinesia. Last evaluated: 2021-08-31. Review status: criteria provided, single submitter. Criteria: Invitae Variant Classification Sherloc (09022015). Collection method: clinical testing. Allele origin: germline.
Comment: This sequence change replaces proline with glutamine at codon 2708 of the DNAH8 protein (p.Pro2708Gln). The proline residue is highly conserved and there is a moderate physicochemical difference between proline and glutamine. This variant is present in population databases (rs757381549, ExAC 0.002%). This variant has not been reported in the literature in individuals affected with DNAH8-related conditions. Algorithms developed to predict the effect of missense changes on protein structure and function are either unavailable or do not agree on the potential impact of this missense change (SIFT: "Deleterious"; PolyPhen-2: "Not Available"; Align-GVGD: "Class C0"). In summary, the available evidence is currently insufficient to determine the role of this variant in disease. Therefore, it has been classified as a Variant of Uncertain Significance.